The following is an entry in ClinVar:

NM_182641.4(BPTF):c.5381A>G (p.Asp1794Gly)

Gene: BPTF (bromodomain PHD finger transcription factor; plus strand). Cytogenetic location: 17q24.2.
Variant type: single nucleotide variant.
Coding change: c.5381A>G on transcript NM_182641.4 (MANE Select); coding-DNA position 5381, A replaced by G.
Protein change: p.Asp1794Gly; replaces aspartic acid 1794 with glycine.
Molecular consequence: missense variant.
Genome position (GRCh38, 1-based): chr17:67,918,791, A>G. VCF-style: chr17-67918791-A-G. GRCh37 (hg19) VCF-style: chr17-65914907-A-G.
Other names: c.5759A>G, p.Asp1920Gly (NM_004459.7); short protein forms D1794G, D1920G.
Identifiers: ClinVar variation 1709817 (VCV001709817.2), dbSNP rs2511672819, ClinGen allele CA400733039.

ClinVar aggregate classification (germline): Uncertain significance (1 of 4 stars; one submission).

Conditions:
Neurodevelopmental disorder with dysmorphic facies and distal limb anomalies. Identifiers: Orphanet 686482, MedGen C4540327, MONDO:0060596, OMIM 617755.

Submission:

MGZ Medical Genetics Center
Classification: Uncertain significance for Neurodevelopmental disorder with dysmorphic facies and distal limb anomalies. Last evaluated: 2021-08-04. Review status: criteria provided, single submitter. Criteria: ACMG Guidelines, 2015. Collection method: clinical testing. Allele origin: germline. Affected: yes. Observed: 1 variant allele.
Comment: ACMG criteria applied: PM2_SUP, PP2, PP3